The following is an entry in ClinVar:

ClinVar aggregate classification (germline): Uncertain significance (1 of 4 stars; one submission).

Conditions:
Arrhythmogenic right ventricular dysplasia 10. Also called: Arrhythmogenic right ventricular dysplasia/cardiomyopathy, type 10; ARRHYTHMOGENIC RIGHT VENTRICULAR DYSPLASIA, FAMILIAL, 10; Arrhythmogenic Right Ventricular Dysplasia/Cardiomyopathy10. Identifiers: MedGen C1857777, MONDO:0012434, OMIM 610193.

Submission:

Labcorp Genetics (formerly Invitae), Labcorp
Classification: Uncertain significance for Arrhythmogenic right ventricular dysplasia 10. Last evaluated: 2025-04-21. Review status: criteria provided, single submitter. Criteria: Invitae Variant Classification Sherloc (09022015). Collection method: clinical testing. Allele origin: germline.
Comment: This sequence change replaces serine, which is neutral and polar, with isoleucine, which is neutral and non-polar, at codon 172 of the DSG2 protein (p.Ser172Ile). This variant is not present in population databases (gnomAD no frequency). This variant has not been reported in the literature in individuals affected with DSG2-related conditions. ClinVar contains an entry for this variant (Variation ID: 1713616). Invitae Evidence Modeling of protein sequence and biophysical properties (such as structural, functional, and spatial information, amino acid conservation, physicochemical variation, residue mobility, and thermodynamic stability) has been performed for this missense variant. However, the output from this modeling did not meet the statistical confidence thresholds required to predict the impact of this variant on DSG2 protein function. In summary, the available evidence is currently insufficient to determine the role of this variant in disease. Therefore, it has been classified as a Variant of Uncertain Significance.

NM_001943.5(DSG2):c.515G>T (p.Ser172Ile)

Gene: DSG2 (desmoglein 2; plus strand). Cytogenetic location: 18q12.1.
Variant type: single nucleotide variant.
Coding change: c.515G>T on transcript NM_001943.5 (MANE Select); coding-DNA position 515, G replaced by T.
Protein change: p.Ser172Ile; replaces serine 172 with isoleucine.
Molecular consequence: missense variant.
Genome position (GRCh38, 1-based): chr18:31,521,235, G>T. VCF-style: chr18-31521235-G-T. GRCh37 (hg19) VCF-style: chr18-29101198-G-T.
Other names: short protein forms S172I.
Identifiers: ClinVar variation 1713616 (VCV001713616.5), dbSNP rs2510911182, ClinGen allele CA402132520.